The following is an entry in ClinVar:

NC_000017.10:g.(?_3397734)_(3400388_?)del

Gene: ASPA (aspartoacylase; plus strand). Cytogenetic location: 17p13.2.
Variant type: Deletion.
Identifiers: ClinVar variation 3242935 (VCV003242935.1).

ClinVar aggregate classification (germline): Pathogenic (1 of 4 stars; one submission).

Conditions:
Spongy degeneration of central nervous system. Also called: Canavan disease; Von Bogaert-Bertrand disease; ACY2 DEFICIENCY; AMINOACYLASE 2 DEFICIENCY; ASP DEFICIENCY; ASPA DEFICIENCY. Identifiers: Orphanet 141, MedGen C0206307, MONDO:0010079, OMIM 271900.

Submission:

Labcorp Genetics (formerly Invitae), Labcorp
Classification: Pathogenic for Spongy degeneration of central nervous system. Last evaluated: 2023-05-28. Review status: criteria provided, single submitter. Criteria: Invitae Variant Classification Sherloc (09022015). Collection method: clinical testing. Allele origin: unknown.
Comment: For these reasons, this variant has been classified as Pathogenic. This variant disrupts a region of the ASPA protein in which other variant(s) (p.His244Arg) have been determined to be pathogenic (PMID: 12638939, 16854607). This suggests that this is a clinically significant region of the protein, and that variants that disrupt it are likely to be disease-causing. Variants that disrupt the consensus splice site are a relatively common cause of aberrant splicing (PMID: 17576681, 9536098). Experimental studies and prediction algorithms are not available or were not evaluated, and the functional significance of this variant is currently unknown. This variant has not been reported in the literature in individuals affected with ASPA-related conditions. This variant results in the deletion of part of exon 5 (c.725_745-1797del) of the ASPA gene. While this variant is not anticipated to result in nonsense mediated decay, it likely alters RNA splicing and results in a disrupted protein product.

Literature cited by the submitters: PubMed 12638939; PubMed 16854607; PubMed 17576681; PubMed 9536098.